The following is an entry in ClinVar:

NM_000168.6(GLI3):c.2242C>T (p.Pro748Ser)

Gene: GLI3 (GLI family zinc finger 3; minus strand). Cytogenetic location: 7p14.1.
Variant type: single nucleotide variant.
Coding change: c.2242C>T on transcript NM_000168.6 (MANE Select); coding-DNA position 2242, C replaced by T.
Protein change: p.Pro748Ser; replaces proline 748 with serine.
Molecular consequence: missense variant.
Genome position (GRCh38, 1-based): chr7:41,967,785, G>A on the plus strand (C>T on the coding strand, the complement: GLI3 is on the minus strand). VCF-style: chr7-41967785-G-A. GRCh37 (hg19) VCF-style: chr7-42007383-G-A.
Other names: short protein forms P748S.
Identifiers: ClinVar variation 4991609 (VCV004991609.1).

ClinVar aggregate classification (germline): Uncertain significance (1 of 4 stars; one submission).

Conditions:
GLI3-related disorder. Also called: GLI3-related condition; GLI3-related disorders. Identifiers: MedGen CN239292.

Submission:

PreventionGenetics, part of Exact Sciences
Classification: Uncertain significance for GLI3-related condition. Last evaluated: 2025-11-03. Review status: criteria provided, single submitter. Criteria: ACMG Guidelines, 2015. Collection method: clinical testing. Allele origin: germline.
Comment: The GLI3 c.2242C>T variant is predicted to result in the amino acid substitution p.Pro748Ser. To our knowledge, this variant has not been reported in the literature or in a large population database (gnomAD), indicating this variant is rare. At this time, the clinical significance of this variant is uncertain due to the absence of conclusive functional and genetic evidence.